The following is an entry in ClinVar:

ClinVar aggregate classification (germline): Uncertain significance. Review status: criteria provided, multiple submitters, no conflicts (2 of 4 stars). 2 submissions from 2 submitters: Uncertain significance (2). Last evaluated 2025-08-10.

Conditions:
MAGEL2-related disorder. Also called: MAGEL2-related condition.

Allele frequency attached by ClinVar (database versions not stated): gnomAD 0.00001; gnomAD exomes 0.00002.
gnomAD v4.1: 32 of 1,486,258 alleles (0.0022%); highest among the groups gnomAD compares: Non-Finnish European, 0.0029%; no homozygotes.

Submissions (2):

Labcorp Genetics (formerly Invitae), Labcorp
Classification: Uncertain significance. Last evaluated: 2025-08-10. Review status: criteria provided, single submitter. Criteria: Invitae Variant Classification Sherloc (09022015). Collection method: clinical testing. Allele origin: germline.
Comment: This sequence change replaces alanine, which is neutral and non-polar, with valine, which is neutral and non-polar, at codon 557 of the MAGEL2 protein (p.Ala557Val). This variant is present in population databases (rs781233225, gnomAD 0.006%). This variant has not been reported in the literature in individuals affected with MAGEL2-related conditions. ClinVar contains an entry for this variant (Variation ID: 1984017). Invitae Evidence Modeling of protein sequence and biophysical properties (such as structural, functional, and spatial information, amino acid conservation, physicochemical variation, residue mobility, and thermodynamic stability) indicates that this missense variant is not expected to disrupt MAGEL2 protein function with a negative predictive value of 80%. In summary, the available evidence is currently insufficient to determine the role of this variant in disease. Therefore, it has been classified as a Variant of Uncertain Significance.

PreventionGenetics, part of Exact Sciences
Classification: Uncertain significance for MAGEL2-related condition. Last evaluated: 2025-08-06. Review status: criteria provided, single submitter. Criteria: ACMG Guidelines, 2015. Collection method: clinical testing. Allele origin: germline.
Comment: The MAGEL2 c.1670C>T variant is predicted to result in the amino acid substitution p.Ala557Val. To our knowledge, this variant has not been reported in the literature. This variant is reported in 0.0061% of alleles in individuals of European (non-Finnish) descent in gnomAD. At this time, the clinical significance of this variant is uncertain due to the absence of conclusive functional and genetic evidence.

NM_019066.5(MAGEL2):c.1670C>T (p.Ala557Val)

Gene: MAGEL2 (MAGE family member L2; minus strand). Cytogenetic location: 15q11.2.
Variant type: single nucleotide variant.
Coding change: c.1670C>T on transcript NM_019066.5 (MANE Select); coding-DNA position 1670, C replaced by T.
Protein change: p.Ala557Val; replaces alanine 557 with valine.
Molecular consequence: missense variant.
Genome position (GRCh38, 1-based): chr15:23,646,073, G>A on the plus strand (C>T on the coding strand, the complement: MAGEL2 is on the minus strand). VCF-style: chr15-23646073-G-A. GRCh37 (hg19) VCF-style: chr15-23891220-G-A.
Other names: c.1670C>T (NM_019066.4); short protein forms A557V.
Identifiers: ClinVar variation 1984017 (VCV001984017.7), dbSNP rs781233225, ClinGen allele CA267660204.